The following is an entry in ClinVar:

NM_000038.6(APC):c.3821G>A (p.Cys1274Tyr)

Gene: APC (APC regulator of Wnt signaling pathway; plus strand). Cytogenetic location: 5q22.2.
Variant type: single nucleotide variant.
Coding change: c.3821G>A on transcript NM_000038.6 (MANE Select); coding-DNA position 3821, G replaced by A.
Protein change: p.Cys1274Tyr; replaces cysteine 1274 with tyrosine.
Molecular consequence: missense variant.
Genome position (GRCh38, 1-based): chr5:112,839,415, G>A. VCF-style: chr5-112839415-G-A. GRCh37 (hg19) VCF-style: chr5-112175112-G-A.
Other names: c.3821G>A, p.Cys1274Tyr (NM_001127510.3, NM_001354895.2); c.3767G>A, p.Cys1256Tyr (NM_001127511.3); c.3875G>A, p.Cys1292Tyr (NM_001354896.2); c.3851G>A, p.Cys1284Tyr (NM_001354897.2); c.3746G>A, p.Cys1249Tyr (NM_001354898.2); c.3737G>A, p.Cys1246Tyr (NM_001354899.2); c.3698G>A, p.Cys1233Tyr (NM_001354900.2); c.3644G>A, p.Cys1215Tyr (NM_001354901.2); and 5 more; short protein forms C1233Y, C1256Y, C1148Y, C1284Y, C991Y, C1114Y, C1173Y, C1183Y.
Identifiers: ClinVar variation 666081 (VCV000666081.24), dbSNP rs1470915050, ClinGen allele CA16029714.

ClinVar aggregate classification (germline): Uncertain significance. Review status: criteria provided, multiple submitters, no conflicts (2 of 4 stars). 7 submissions from 7 submitters: Uncertain significance (6). 1 of the submissions does not count toward it. Last evaluated 2026-01-19.

Conditions:
Classic or attenuated familial adenomatous polyposis. Identifiers: MedGen CN372698, MONDO:0021057.
Familial adenomatous polyposis 1 (FAP1). Also called: POLYPOSIS, ADENOMATOUS INTESTINAL; FAMILIAL ADENOMATOUS POLYPOSIS 1, ATTENUATED. Identifiers: MedGen C2713442, MONDO:0021056, OMIM 175100. Disease mechanism: loss of function.
APC-related disorder. Also called: APC-related condition.
Hereditary cancer-predisposing syndrome. Also called: Tumor predisposition; Hereditary neoplastic syndrome; Neoplastic Syndromes, Hereditary; Hereditary Cancer Syndrome. Identifiers: Orphanet 140162, MedGen C0027672, MeSH D009386, MONDO:0015356.

Allele frequency attached by ClinVar (database versions not stated): TOPMed below 0.00001; gnomAD 0.00002.
gnomAD v4.1: 4 of 1,614,026 alleles (0.00025%); highest among the groups gnomAD compares: African/African-American, 0.004%; no homozygotes.

Submissions (7):

Labcorp Genetics (formerly Invitae), Labcorp
Classification: Uncertain significance for Familial adenomatous polyposis 1. Last evaluated: 2026-01-19. Review status: criteria provided, single submitter. Criteria: Invitae Variant Classification Sherloc (09022015). Collection method: clinical testing. Allele origin: germline.
Comment: This sequence change replaces cysteine, which is neutral and slightly polar, with tyrosine, which is neutral and polar, at codon 1274 of the APC protein (p.Cys1274Tyr). This variant is not present in population databases (gnomAD no frequency). This variant has not been reported in the literature in individuals affected with APC-related conditions. ClinVar contains an entry for this variant (Variation ID: 666081). Invitae Evidence Modeling of protein sequence and biophysical properties (such as structural, functional, and spatial information, amino acid conservation, physicochemical variation, residue mobility, and thermodynamic stability) indicates that this missense variant is not expected to disrupt APC protein function with a negative predictive value of 95%. In summary, the available evidence is currently insufficient to determine the role of this variant in disease. Therefore, it has been classified as a Variant of Uncertain Significance.

Quest Diagnostics Nichols Institute San Juan Capistrano
Classification: Uncertain significance. Last evaluated: 2025-04-03. Review status: criteria provided, single submitter. Criteria: Quest Diagnostics criteria. Collection method: clinical testing. Allele origin: unknown.
Comment: The APC c.3821G>A (p.Cys1274Tyr) variant has been reported in the published literature in an individual with colorectal cancer (PMID: 28002797 (2017)), and in reportedly unaffected individuals (PMID: 36243179 (2022)). The frequency of this variant in the general population (Genome Aggregation Database) is higher than would generally be expected for pathogenic variants in this gene. Analysis of this variant using bioinformatics tools for the prediction of the effect of amino acid changes on protein structure and function yielded inconclusive predictions. Based on the available information, we are unable to determine the clinical significance of this variant.

Ambry Genetics
Classification: Uncertain significance for Hereditary cancer-predisposing syndrome. Last evaluated: 2025-02-14. Review status: criteria provided, single submitter. Criteria: Ambry Variant Classification Scheme 2023. Collection method: clinical testing. Allele origin: germline.
Comment: The p.C1274Y variant (also known as c.3821G>A), located in coding exon 15 of the APC gene, results from a G to A substitution at nucleotide position 3821. The cysteine at codon 1274 is replaced by tyrosine, an amino acid with highly dissimilar properties. This amino acid position is well conserved in available vertebrate species. In addition, in silico predictors for this gene do not accurately predict pathogenicity. Missense alterations in APC are not a common cause of disease (Spier I et al. Genet Med. 2024 Feb;26(2):100992). Based on the available evidence, the clinical significance of this variant remains unclear.

All of Us Research Program, National Institutes of Health
Classification: Uncertain significance for Classic or attenuated familial adenomatous polyposis. Last evaluated: 2024-05-09. Review status: criteria provided, single submitter. Criteria: ACMG Guidelines, 2015. Collection method: clinical testing. Allele origin: germline. Inheritance: Autosomal dominant inheritance. Observed: 1 variant allele, 1 heterozygote.
Comment: This missense variant replaces cysteine with tyrosine at codon 1274 of the APC protein. Computational prediction suggests that this variant may have deleterious impact on protein structure and function (internally defined REVEL score threshold >= 0.7, PMID: 27666373). To our knowledge, functional studies have not been reported for this variant. This variant has not been reported in individuals affected with hereditary cancer in the literature. This variant has not been identified in the general population by the Genome Aggregation Database (gnomAD). The available evidence is insufficient to determine the role of this variant in disease conclusively. Therefore, this variant is classified as a Variant of Uncertain Significance.

This study involves interpretation of variants in research participants for the purpose of population health screening. Participant phenotype was not available at the time of variant classification. Additional details can be found in publication PMID: 35346344, PMCID: PMC8962531

Color Diagnostics, LLC DBA Color Health
Classification: Uncertain significance for Hereditary cancer-predisposing syndrome. Last evaluated: 2024-03-06. Review status: criteria provided, single submitter. Criteria: ACMG Guidelines, 2015. Collection method: clinical testing. Allele origin: germline.
Comment: This missense variant replaces cysteine with tyrosine at codon 1274 of the APC protein. Computational prediction suggests that this variant may have deleterious impact on protein structure and function (internally defined REVEL score threshold >= 0.7, PMID: 27666373). To our knowledge, functional studies have not been reported for this variant. This variant has not been reported in individuals affected with hereditary cancer in the literature. This variant has not been identified in the general population by the Genome Aggregation Database (gnomAD). The available evidence is insufficient to determine the role of this variant in disease conclusively. Therefore, this variant is classified as a Variant of Uncertain Significance.

GeneDx
Classification: Uncertain significance. Last evaluated: 2024-02-06. Review status: criteria provided, single submitter. Criteria: GeneDx Variant Classification Process June 2021. Collection method: clinical testing. Allele origin: germline. Affected: yes.
Comment: Not observed at significant frequency in large population cohorts (gnomAD); In silico analysis supports that this missense variant has a deleterious effect on protein structure/function; Not observed in any cases, but was observed in unaffected controls from a biliary tract cancer study (PMID: 36243179); This variant is associated with the following publications: (PMID: 18199528, 36243179)

PreventionGenetics, part of Exact Sciences
Classification: Uncertain significance for APC-related condition. Last evaluated: 2024-03-26. Review status: no assertion criteria provided. Collection method: clinical testing. Allele origin: germline. Not counted in ClinVar's aggregate classification.
Comment: The APC c.3821G>A variant is predicted to result in the amino acid substitution p.Cys1274Tyr. This variant has not been reported in individuals with APC-related disorders in the literature. This variant has not been reported in a large population database, indicating this variant is rare. This variant is interpreted as a variant of uncertain significance in ClinVar. At this time, the clinical significance of this variant is uncertain due to the absence of conclusive functional and genetic evidence.

Literature cited by the submitters: PubMed 36243179 (cited by Quest Diagnostics Nichols Institute San Juan Capistrano); PubMed 28002797 (cited by Quest Diagnostics Nichols Institute San Juan Capistrano).